The following is an entry in ClinVar:

NM_006231.4(POLE):c.6004+5G>T

Gene: POLE (DNA polymerase epsilon, catalytic subunit; minus strand). Cytogenetic location: 12q24.33.
Variant type: single nucleotide variant.
Coding change: c.6004+5G>T on transcript NM_006231.4 (MANE Select); 5 bases into the intron after coding-DNA position 6004, G replaced by T.
Molecular consequence: intron variant.
Genome position (GRCh38, 1-based): chr12:132,634,181, C>A on the plus strand (G>T on the coding strand, the complement: POLE is on the minus strand). VCF-style: chr12-132634181-C-A. GRCh37 (hg19) VCF-style: chr12-133210767-C-A.
Identifiers: ClinVar variation 220739 (VCV000220739.42), dbSNP rs372169366, ClinGen allele CA350790.

ClinVar aggregate classification (germline): Conflicting classifications of pathogenicity. Review status: criteria provided, conflicting classifications (1 of 4 stars). 13 submissions from 13 submitters: Uncertain significance (2); Benign (3); Likely benign (5). 3 of the submissions do not count toward it. Last evaluated 2026-01-26.

Conditions:
Familial colorectal cancer type X. Identifiers: Orphanet 440437, MedGen C3896578, MONDO:0018604.
Polymerase proofreading-related adenomatous polyposis. Also called: Polymerase proofreading associated polyposis; Polymerase proofreading–associated polyposis (PPAP). Identifiers: Orphanet 447877, MedGen C5202613, MONDO:0018653.
POLE-related disorder. Also called: POLE-related condition; POLE-related disorders.
Hereditary cancer-predisposing syndrome. Also called: Hereditary Cancer Syndrome; Tumor predisposition; Neoplastic Syndromes, Hereditary; Hereditary neoplastic syndrome. Identifiers: Orphanet 140162, MedGen C0027672, MeSH D009386, MONDO:0015356.
Colorectal cancer, susceptibility to, 12 (CRCS12). Also called: COLORECTAL CANCER, SUSCEPTIBILITY TO, ON CHROMOSOME 12q24. Identifiers: Orphanet 220460, MedGen C3554460, MONDO:0014038, OMIM 615083.

Allele frequency attached by ClinVar (database versions not stated): gnomAD 0.00013 and 0.00014; gnomAD exomes 0.00016 and 0.00031; TOPMed 0.00019; ExAC 0.00020; ESP Exome Variant Server 0.00031.

Submissions (14):

Labcorp Genetics (formerly Invitae), Labcorp
Classification: Benign. Last evaluated: 2026-01-26. Review status: criteria provided, single submitter. Criteria: Invitae Variant Classification Sherloc (09022015). Collection method: clinical testing. Allele origin: germline.

Center for Genomic Medicine, Rigshospitalet, Copenhagen University Hospital
Classification: Uncertain significance. Last evaluated: 2025-03-04. Review status: criteria provided, single submitter. Criteria: ACMG Guidelines, 2015. Collection method: clinical testing. Allele origin: germline.

Blueprint Genetics
Classification: Likely benign. Last evaluated: 2024-11-18. Review status: criteria provided, single submitter. Criteria: ACMG Guidelines, 2015. Collection method: clinical testing. Allele origin: germline.

Department of Pathology and Laboratory Medicine, Sinai Health System
Classification: Likely benign for Polymerase proofreading-related adenomatous polyposis; Familial colorectal cancer type X. Last evaluated: 2024-05-02. Review status: criteria provided, single submitter. Criteria: ACMG Guidelines, 2015. Collection method: clinical testing. Allele origin: germline. Affected: yes.

Sema4
Classification: Likely benign for Hereditary cancer-predisposing syndrome. Last evaluated: 2021-07-29. Review status: criteria provided, single submitter. Criteria: Sema4 Curation Guidelines. Collection method: curation. Allele origin: germline.

Genetic Services Laboratory, University of Chicago
Classification: Benign. Last evaluated: 2021-06-17. Review status: criteria provided, single submitter. Criteria: ACMG Guidelines, 2015. Collection method: clinical testing. Allele origin: germline. Affected: no.

GeneDx
Classification: Likely benign. Last evaluated: 2020-06-18. Review status: criteria provided, single submitter. Criteria: GeneDx Variant Classification Process June 2021. Collection method: clinical testing. Allele origin: germline. Affected: yes.

Quest Diagnostics Nichols Institute San Juan Capistrano
Classification: Benign. Last evaluated: 2019-12-12. Review status: criteria provided, single submitter. Criteria: Quest Diagnostics criteria. Collection method: clinical testing. Allele origin: unknown.

Ambry Genetics
Classification: Likely benign for Hereditary cancer-predisposing syndrome. Last evaluated: 2018-12-24. Review status: criteria provided, single submitter. Criteria: Ambry Variant Classification Scheme 2023. Collection method: clinical testing. Allele origin: germline.

Laboratory for Molecular Medicine, Mass General Brigham Personalized Medicine
Classification: Uncertain significance. Last evaluated: 2016-11-15. Review status: criteria provided, single submitter. Criteria: LMM Criteria. Collection method: clinical testing. Allele origin: germline. Observed: 1 variant allele.
Comment: The c.6004+5G>T variant in POLE has not been previously reported in individuals with colorectal cancer but has been identified in 22/65018 of European chromosom es by the Exome Aggregation Consortium (ExAC; db SNP rs372169366). This variant is located in the 5' splice region. Although nucl eotide substitutions at +5 position of the intron are relatively common causes o f aberrant splicing, computational tools do not suggest an impact to splicing. H owever, this information is not predictive enough to rule out pathogenicity. In summary, the clinical significance of the c.6004+5G>T variant is uncertain.

PreventionGenetics, part of Exact Sciences
Classification: Likely benign for POLE-related condition. Last evaluated: 2019-04-24. Review status: no assertion criteria provided. Collection method: clinical testing. Allele origin: germline. Not counted in ClinVar's aggregate classification.
Comment: This variant is classified as likely benign based on ACMG/AMP sequence variant interpretation guidelines (Richards et al. 2015 PMID: 25741868, with internal and published modifications).

True Health Diagnostics
Classification: Likely benign for Hereditary cancer-predisposing syndrome. Last evaluated: 2018-07-11. Review status: no assertion criteria provided. Collection method: clinical testing. Allele origin: germline. Not counted in ClinVar's aggregate classification.

Counsyl
Classification: Uncertain significance for Colorectal cancer, susceptibility to, 12. Last evaluated: 2018-03-13. Review status: no assertion criteria provided. Collection method: clinical testing. Allele origin: unknown. Not counted in ClinVar's aggregate classification.

Dr. Peter K. Rogan Lab, Western University
No classification provided (evidence only). Condition: Uterine corpus endometrial carcinoma. Review status: no classification provided. Collection method: in vitro. Allele origin: not applicable. Functional consequence: retained intron. Not counted in ClinVar's aggregate classification.